The following is an entry in ClinVar:

ClinVar aggregate classification (germline): Uncertain significance (0 of 4 stars; one submission).

Conditions:
PLXNA3-related disorder. Also called: PLXNA3-related condition.

gnomAD v4.1: 6 of 1,194,589 alleles (0.0005%); highest among the groups gnomAD compares: Admixed American, 0.0089%; 1 homozygote.

Submission:

PreventionGenetics, part of Exact Sciences
Classification: Uncertain significance for PLXNA3-related condition. Last evaluated: 2024-08-28. Review status: no assertion criteria provided. Collection method: clinical testing. Allele origin: germline.
Comment: The PLXNA3 c.3871G>A variant is predicted to result in the amino acid substitution p.Glu1291Lys. To our knowledge, this variant has not been reported in the literature. This variant is reported in 0.011% of alleles in individuals of Latino descent in gnomAD. At this time, the clinical significance of this variant is uncertain due to the absence of conclusive functional and genetic evidence.

NM_017514.5(PLXNA3):c.3871G>A (p.Glu1291Lys)

Gene: PLXNA3 (plexin A3; plus strand). Cytogenetic location: Xq28.
Variant type: single nucleotide variant.
Coding change: c.3871G>A on transcript NM_017514.5 (MANE Select); coding-DNA position 3871, G replaced by A.
Protein change: p.Glu1291Lys; replaces glutamic acid 1291 with lysine.
Molecular consequence: missense variant.
Genome position (GRCh38, 1-based): chrX:154,468,132, G>A. VCF-style: chrX-154468132-G-A. GRCh37 (hg19) VCF-style: chrX-153696475-G-A.
Other names: short protein forms E1291K.
Identifiers: ClinVar variation 3357827 (VCV003357827.1).